The following is an entry in ClinVar:

NM_138413.4(HOGA1):c.894dup (p.Gly299fs)

Gene: HOGA1 (4-hydroxy-2-oxoglutarate aldolase 1; plus strand). Cytogenetic location: 10q24.2.
Variant type: Duplication.
Coding change: c.894dup on transcript NM_138413.4 (MANE Select); coding-DNA position 894, one base duplicated (T; older notation c.894dupT).
Protein change: p.Gly299fs; shifts the reading frame from glycine 299.
Molecular consequence: frameshift variant.
Genome position (GRCh38, 1-based): chr10:97,611,569, T duplicated. VCF-style (leftmost placement, unchanged base first): chr10-97611568-A-AT. GRCh37 (hg19) VCF-style: chr10-99371325-A-AT.
Other names: c.405dup, p.Gly136fs (NM_001134670.2); short protein forms G136fs, G299fs.
Identifiers: ClinVar variation 4816530 (VCV004816530.1).
Genomic context (GRCh38, chr10:97,611,568, plus strand): 5'-AGGTGACCCGGCGCTTTGGGATCCCAGGGCTGAAGAAAATCATGGACTGGTTTGGCTACT[A>AT]TGGAGGCCCCTGCCGCGCCCCCTTGCAGGAGCTGAGCCCCGCTGAGGAGGAGGCACTGCG-3'

ClinVar aggregate classification (germline): Likely pathogenic (1 of 4 stars; one submission).

Conditions:
Primary hyperoxaluria type 3. Also called: PH III. Identifiers: Orphanet 416, Orphanet 93600, MedGen C3150878, MONDO:0013327, OMIM 613616. Disease mechanism: loss of function.

Submission:

Natera, Inc.
Classification: Likely pathogenic for Primary hyperoxaluria type III. Last evaluated: 2025-10-20. Review status: criteria provided, single submitter. Criteria: Natera Variant Classification Schema (03/2026). Collection method: clinical testing. Allele origin: germline.
Comment: The c.894dup variant in HOGA1 is a frameshift variant predicted to shift the reading frame beginning at codon 299 and leads to a stop codon 15 codons downstream. This variant is expected to result in nonsense mediated decay, truncation, or a dysfunctional protein product. This variant is rare in the general population with a frequency below the threshold expected for the associated phenotype(s). Given the available evidence, this variant is classified as Likely Pathogenic.